The following is an entry in ClinVar:

NM_015884.4(MBTPS2):c.1461T>C (p.Asn487=)

Gene: MBTPS2 (membrane bound transcription factor peptidase, site 2; plus strand). Cytogenetic location: Xp22.12.
Variant type: single nucleotide variant.
Coding change: c.1461T>C on transcript NM_015884.4 (MANE Select); coding-DNA position 1461, T replaced by C.
Protein change: p.Asn487=; no amino-acid change (asparagine 487 retained).
Molecular consequence: synonymous variant.
Genome position (GRCh38, 1-based): chrX:21,882,556, T>C. VCF-style: chrX-21882556-T-C. GRCh37 (hg19) VCF-style: chrX-21900674-T-C.
Identifiers: ClinVar variation 2660156 (VCV002660156.24), dbSNP rs777455950, ClinGen allele CA10367688.

ClinVar aggregate classification (germline): Likely benign (1 of 4 stars; one submission).

Allele frequency attached by ClinVar (database versions not stated): ExAC 0.00001.

Submission:

CeGaT Center for Human Genetics Tuebingen
Classification: Likely benign. Last evaluated: 2023-01-01. Review status: criteria provided, single submitter. Criteria: CeGaT Center For Human Genetics Tuebingen Variant Classification Criteria Version 2. Collection method: clinical testing. Allele origin: germline. Affected: yes. Observed: 1 variant allele.
Comment: MBTPS2: PM2:Supporting, BP4, BP7